The following is an entry in ClinVar:

NM_018006.5(TRMU):c.249-2dup

Gene: TRMU (tRNA mitochondrial 2-thiouridylase; plus strand). Cytogenetic location: 22q13.31.
Variant type: Duplication.
Coding change: c.249-2dup on transcript NM_018006.5 (MANE Select); the canonical splice acceptor site of the intron before coding-DNA position 249, one base duplicated (A; older notation c.249-2dupA).
Molecular consequence: splice acceptor variant. On other transcripts: intron variant (3).
Genome position (GRCh38, 1-based): chr22:46,343,260, A duplicated. VCF-style (leftmost placement, unchanged base first): chr22-46343259-T-TA. GRCh37 (hg19) VCF-style: chr22-46739156-T-TA.
Other names: c.249-2dup (NM_001282785.2); c.14-3162dup (NM_001282782.2); c.-6-3162dup (NM_001282783.2, NM_001282784.2).
Identifiers: ClinVar variation 1684112 (VCV001684112.2), dbSNP rs2147868532, ClinGen allele CA2573158382.

ClinVar aggregate classification (germline): Uncertain significance (1 of 4 stars; one submission).

Submission:

GeneDx
Classification: Uncertain significance. Last evaluated: 2022-12-05. Review status: criteria provided, single submitter. Criteria: GeneDx Variant Classification Process June 2021. Collection method: clinical testing. Allele origin: germline. Affected: yes.
Comment: Not observed at significant frequency in large population cohorts (gnomAD); In silico analysis supports a deleterious effect on splicing; Has not been previously published as pathogenic or benign to our knowledge